The following is an entry in ClinVar:

ClinVar aggregate classification (germline): Likely pathogenic (1 of 4 stars; one submission).

Conditions:
Joubert syndrome 5 (JBTS5). Identifiers: Orphanet 2318, MedGen C1857780, MONDO:0012432, OMIM 610188.

Submission:

SingHealth Duke-NUS Institute of Precision Medicine
Classification: Likely pathogenic for Joubert syndrome 5. Last evaluated: 2025-02-05. Review status: criteria provided, single submitter. Criteria: PRISM ACMG Classification Criteria. Collection method: clinical testing. Allele origin: germline. Affected: yes.
Comment: Variant is predicted to cause nonsense-mediated decay in a gene where LOF is a known cause of pathogenicity (PVS1). Variant is not found in gnomAD genomes or exomes (PM2).

NM_025114.4(CEP290):c.1650del (p.Asp551fs)

Gene: CEP290 (centrosomal protein 290; minus strand). Cytogenetic location: 12q21.32.
Variant type: Deletion.
Coding change: c.1650del on transcript NM_025114.4 (MANE Select); coding-DNA position 1650, one base deleted (T; older notation c.1650delT).
Protein change: p.Asp551fs; shifts the reading frame from aspartic acid 551.
Molecular consequence: frameshift variant.
Genome position (GRCh38, 1-based): chr12:88,118,544, A deleted on the plus strand (T on the coding strand, the reverse complement: CEP290 is on the minus strand); the first of 2 consecutive A bases (chr12:88,118,544-88,118,545); deleting either gives the same sequence. VCF-style (leftmost placement, unchanged base first): chr12-88118543-CA-C. GRCh37 (hg19) VCF-style: chr12-88512320-CA-C.
Other names: short protein forms D551fs.
Identifiers: ClinVar variation 3767347 (VCV003767347.1).